The following is an entry in ClinVar:

ClinVar aggregate classification (germline): Uncertain significance (1 of 4 stars; one submission).

Conditions:
Hereditary cancer-predisposing syndrome. Also called: Neoplastic Syndromes, Hereditary; Hereditary Cancer Syndrome; Tumor predisposition; Hereditary neoplastic syndrome. Identifiers: Orphanet 140162, MedGen C0027672, MeSH D009386, MONDO:0015356.

Submission:

Ambry Genetics
Classification: Uncertain significance for Hereditary cancer-predisposing syndrome. Last evaluated: 2025-05-09. Review status: criteria provided, single submitter. Criteria: Ambry Variant Classification Scheme 2023. Collection method: clinical testing. Allele origin: germline.
Comment: The p.F87V variant (also known as c.259T>G), located in coding exon 3 of the XRCC2 gene, results from a T to G substitution at nucleotide position 259. The phenylalanine at codon 87 is replaced by valine, an amino acid with highly similar properties. This amino acid position is conserved. In addition, this alteration is predicted to be deleterious by in silico analysis. Since supporting evidence is limited at this time, the clinical significance of this alteration remains unclear.

NM_005431.2(XRCC2):c.259T>G (p.Phe87Val)

Gene: XRCC2 (X-ray repair cross complementing 2; minus strand). Cytogenetic location: 7q36.1.
Variant type: single nucleotide variant.
Coding change: c.259T>G on transcript NM_005431.2 (MANE Select); coding-DNA position 259, T replaced by G.
Protein change: p.Phe87Val; replaces phenylalanine 87 with valine.
Molecular consequence: missense variant.
Genome position (GRCh38, 1-based): chr7:152,649,226, A>C on the plus strand (T>G on the coding strand, the complement: XRCC2 is on the minus strand). VCF-style: chr7-152649226-A-C. GRCh37 (hg19) VCF-style: chr7-152346311-A-C.
Other names: short protein forms F87V.
Identifiers: ClinVar variation 2447655 (VCV002447655.3), dbSNP rs2098027469, ClinGen allele CA370199088.